The following is an entry in ClinVar:

NM_000535.7(PMS2):c.2271A>C (p.Glu757Asp)

Gene: PMS2 (PMS1 homolog 2, mismatch repair system component; minus strand). Cytogenetic location: 7p22.1.
Variant type: single nucleotide variant.
Coding change: c.2271A>C on transcript NM_000535.7 (MANE Select); coding-DNA position 2271, A replaced by C.
Protein change: p.Glu757Asp; replaces glutamic acid 757 with aspartic acid.
Molecular consequence: missense variant. On other transcripts: non-coding transcript variant (1).
Genome position (GRCh38, 1-based): chr7:5,978,600, T>G on the plus strand (A>C on the coding strand, the complement: PMS2 is on the minus strand). VCF-style: chr7-5978600-T-G. GRCh37 (hg19) VCF-style: chr7-6018231-T-G.
Other names: c.1866A>C, p.Glu622Asp (NM_001018040.1, NM_001322003.2, NM_001322004.2 and 15 more transcripts); c.2115A>C, p.Glu705Asp (NM_001322006.2, NM_001406870.1); c.1953A>C, p.Glu651Asp (NM_001322007.2, NM_001322008.2, NM_001406876.1 and 1 more transcripts); c.1710A>C, p.Glu570Asp (NM_001322010.2, NM_001406906.1, NM_001406907.1); c.1338A>C, p.Glu446Asp (NM_001322011.2, NM_001322012.2); c.1698A>C, p.Glu566Asp (NM_001322013.2, NM_001406908.1, NM_001406909.1); c.2271A>C, p.Glu757Asp (NM_001322014.2); c.1962A>C, p.Glu654Asp (NM_001322015.2, NM_001406875.1, NM_001406877.1 and 5 more transcripts); and 14 more; short protein forms E566D, E599D, E645D, E705D, E721D, E757D, E500D, E570D.
Identifiers: ClinVar variation 1788784 (VCV001788784.2), dbSNP rs1476682377, ClinGen allele CA366736422.

ClinVar aggregate classification (germline): Uncertain significance (1 of 4 stars; one submission).

Conditions:
Hereditary cancer-predisposing syndrome. Also called: Hereditary Cancer Syndrome; Hereditary neoplastic syndrome; Tumor predisposition; Neoplastic Syndromes, Hereditary. Identifiers: Orphanet 140162, MedGen C0027672, MeSH D009386, MONDO:0015356.

Submission:

Ambry Genetics
Classification: Uncertain significance for Hereditary cancer-predisposing syndrome. Last evaluated: 2018-08-31. Review status: criteria provided, single submitter. Criteria: Ambry Variant Classification Scheme 2023. Collection method: clinical testing. Allele origin: germline.
Comment: The p.E757D variant (also known as c.2271A>C), located in coding exon 13 of the PMS2 gene, results from an A to C substitution at nucleotide position 2271. The glutamic acid at codon 757 is replaced by aspartic acid, an amino acid with highly similar properties. This amino acid position is highly conserved in available vertebrate species. In addition, this alteration is predicted to be tolerated by in silico analysis. Since supporting evidence is limited at this time, the clinical significance of this alteration remains unclear.